The following is an entry in ClinVar:

ClinVar aggregate classification (germline): Pathogenic (1 of 4 stars; one submission).

Submission:

Labcorp Genetics (formerly Invitae), Labcorp
Classification: Pathogenic. Last evaluated: 2022-06-20. Review status: criteria provided, single submitter. Criteria: Invitae Variant Classification Sherloc (09022015). Collection method: clinical testing. Allele origin: germline.
Comment: This sequence change creates a premature translational stop signal (p.Gln408*) in the CENPF gene. It is expected to result in an absent or disrupted protein product. Loss-of-function variants in CENPF are known to be pathogenic (PMID: 25564561, 26820108). This variant is not present in population databases (gnomAD no frequency). This variant has not been reported in the literature in individuals affected with CENPF-related conditions. For these reasons, this variant has been classified as Pathogenic.

Literature cited by the submitters: PubMed 25564561; PubMed 26820108.

NM_016343.4(CENPF):c.1222C>T (p.Gln408Ter)

Gene: CENPF (centromere protein F; plus strand). Cytogenetic location: 1q41.
Variant type: single nucleotide variant.
Coding change: c.1222C>T on transcript NM_016343.4 (MANE Select); coding-DNA position 1222, C replaced by T.
Protein change: p.Gln408Ter; replaces glutamine 408 with a stop codon.
Molecular consequence: nonsense.
Genome position (GRCh38, 1-based): chr1:214,630,561, C>T. VCF-style: chr1-214630561-C-T. GRCh37 (hg19) VCF-style: chr1-214803904-C-T.
Other names: short protein forms Q408*.
Identifiers: ClinVar variation 1458196 (VCV001458196.6), dbSNP rs749388407, ClinGen allele CA37356429.